The following is an entry in ClinVar:

ClinVar aggregate classification (germline): Uncertain significance. Review status: criteria provided, multiple submitters, no conflicts (2 of 4 stars). 3 submissions from 3 submitters: Uncertain significance (2). 1 of the submissions does not count toward it. Last evaluated 2025-05-15.

Conditions:
Cardiomyopathy (CMYO). Also called: Cardiomyopathies. Identifiers: Orphanet 167848, MedGen C0878544, MONDO:0004994, HP:0001638. Inheritance: Various modes of inheritance.
Duchenne muscular dystrophy (DMD). Also called: MUSCULAR DYSTROPHY, PSEUDOHYPERTROPHIC PROGRESSIVE, DUCHENNE TYPE; Duchenne Muscular Dystrophy (DMD). Identifiers: Orphanet 98896, MedGen C0013264, MONDO:0010679, OMIM 310200.
Becker muscular dystrophy (BMD). Also called: MUSCULAR DYSTROPHY, PSEUDOHYPERTROPHIC PROGRESSIVE, BECKER TYPE; Becker Muscular Dystrophy (BMD). Identifiers: Orphanet 98895, MedGen C0917713, MONDO:0010311, OMIM 300376.
Dystrophin deficiency.

Allele frequency attached by ClinVar (database versions not stated): ExAC 0.00001; gnomAD exomes 0.00001 and 0.00002; gnomAD 0.00002; TOPMed 0.00002.
gnomAD v4.1: 12 of 1,209,180 alleles (0.00099%); highest among the groups gnomAD compares: South Asian, 0.012%; no homozygotes.

Submissions (3):

Labcorp Genetics (formerly Invitae), Labcorp
Classification: Uncertain significance for Duchenne muscular dystrophy. Last evaluated: 2025-05-15. Review status: criteria provided, single submitter. Criteria: Invitae Variant Classification Sherloc (09022015). Collection method: clinical testing. Allele origin: germline.
Comment: This sequence change replaces arginine, which is basic and polar, with histidine, which is basic and polar, at codon 3232 of the DMD protein (p.Arg3232His). This variant is present in population databases (rs751095907, gnomAD 0.01%). This missense change has been observed in individual(s) with Becker or Duchenne Muscular Dystrophy (PMID: 19937601). ClinVar contains an entry for this variant (Variation ID: 582901). Invitae Evidence Modeling of protein sequence and biophysical properties (such as structural, functional, and spatial information, amino acid conservation, physicochemical variation, residue mobility, and thermodynamic stability) indicates that this missense variant is not expected to disrupt DMD protein function with a negative predictive value of 95%. In summary, the available evidence is currently insufficient to determine the role of this variant in disease. Therefore, it has been classified as a Variant of Uncertain Significance.

Women's Health and Genetics/Laboratory Corporation of America, LabCorp
Classification: Uncertain significance. Last evaluated: 2022-02-27. Review status: criteria provided, single submitter. Criteria: LabCorp Variant Classification Summary - May 2015. Collection method: clinical testing. Allele origin: germline.
Comment: Variant summary: DMD c.9695G>A (p.Arg3232His) results in a non-conservative amino acid change in the encoded protein sequence. Five of five in-silico tools predict a damaging effect of the variant on protein function. The variant allele was found at a frequency of 1.6e-05 in 183127 control chromosomes. The available data on variant occurrences in the general population are insufficient to allow any conclusion about variant significance. c.9695G>A has been reported in the literature in at-least one individual affected with Dystrophinopathies (example, Flanigan_2009). These report(s) do not provide unequivocal conclusions about association of the variant with Dystrophinopathies. To our knowledge, no experimental evidence demonstrating an impact on protein function has been reported. Two clinical diagnostic laboratories have submitted clinical-significance assessments for this variant to ClinVar after 2014 without evidence for independent evaluation. All laboratories classified the variant as uncertain significance. Based on the evidence outlined above, the variant was classified as uncertain significance.

Natera, Inc.
Classification: Uncertain significance for Becker muscular dystrophy; Cardiomyopathy; Duchenne muscular dystrophy; Dystrophin deficiency. Last evaluated: 2020-06-15. Review status: no assertion criteria provided. Collection method: clinical testing. Allele origin: germline. Not counted in ClinVar's aggregate classification.

Literature cited by the submitters: PubMed 19937601 (cited by Labcorp Genetics (formerly Invitae), Labcorp and Women's Health and Genetics/Laboratory Corporation of America, LabCorp).

NM_004006.3(DMD):c.9695G>A (p.Arg3232His)

Gene: DMD (dystrophin; minus strand). Cytogenetic location: Xp21.2.
Variant type: single nucleotide variant.
Coding change: c.9695G>A on transcript NM_004006.3 (MANE Select); coding-DNA position 9695, G replaced by A.
Protein change: p.Arg3232His; replaces arginine 3232 with histidine.
Molecular consequence: missense variant.
Genome position (GRCh38, 1-based): chrX:31,204,073, C>T on the plus strand (G>A on the coding strand, the complement: DMD is on the minus strand). VCF-style: chrX-31204073-C-T. GRCh37 (hg19) VCF-style: chrX-31222190-C-T.
Other names: c.9671G>A, p.Arg3224His (NM_000109.4); c.9683G>A, p.Arg3228His (NM_004009.3); c.9326G>A, p.Arg3109His (NM_004010.3); c.5672G>A, p.Arg1891His (NM_004011.4); c.5663G>A, p.Arg1888His (NM_004012.4); c.2315G>A, p.Arg772His (NM_004013.3, NM_004020.4, NM_004021.3 and 2 more transcripts); c.1508G>A, p.Arg503His (NM_004014.3); c.491G>A, p.Arg164His (NM_004015.3, NM_004016.3, NM_004017.3 and 2 more transcripts); short protein forms R3232H, R3109H, R3224H, R503H, R164H, R3228H, R772H, R1888H.
Identifiers: ClinVar variation 582901 (VCV000582901.8), dbSNP rs751095907, ClinGen allele CA10377753.